The following is an entry in ClinVar:

NM_000122.2(ERCC3):c.1743C>T (p.Tyr581=)

Gene: ERCC3 (ERCC excision repair 3, TFIIH core complex helicase subunit; minus strand). Cytogenetic location: 2q14.3.
Variant type: single nucleotide variant.
Coding change: c.1743C>T on transcript NM_000122.2 (MANE Select); coding-DNA position 1743, C replaced by T.
Protein change: p.Tyr581=; no amino-acid change (tyrosine 581 retained).
Molecular consequence: synonymous variant.
Genome position (GRCh38, 1-based): chr2:127,272,949, G>A on the plus strand (C>T on the coding strand, the complement: ERCC3 is on the minus strand). VCF-style: chr2-127272949-G-A. GRCh37 (hg19) VCF-style: chr2-128030525-G-A.
Other names: c.1551C>T, p.Tyr517= (NM_001303416.2, NM_001303418.2).
Identifiers: ClinVar variation 797096 (VCV000797096.33), dbSNP rs147061557, ClinGen allele CA1858186.

ClinVar aggregate classification (germline): Benign/Likely benign. Review status: criteria provided, multiple submitters, no conflicts (2 of 4 stars). 3 submissions from 3 submitters: Benign (1); Likely benign (2). Last evaluated 2025-12-29.

Allele frequency attached by ClinVar (database versions not stated): ESP Exome Variant Server 0.00008; gnomAD 0.00008 and 0.00011; TOPMed 0.00023; ExAC 0.00026; 1000 Genomes Project 30x 0.00062; 1000 Genomes Project 0.00080.
gnomAD v4.1: 106 of 1,605,328 alleles (0.0066%); highest among the groups gnomAD compares: East Asian, 0.1%; no homozygotes.

Submissions (3):

Labcorp Genetics (formerly Invitae), Labcorp
Classification: Benign. Last evaluated: 2025-12-29. Review status: criteria provided, single submitter. Criteria: Invitae Variant Classification Sherloc (09022015). Collection method: clinical testing. Allele origin: germline.

Blueprint Genetics
Classification: Likely benign. Last evaluated: 2024-11-18. Review status: criteria provided, single submitter. Criteria: ACMG Guidelines, 2015. Collection method: clinical testing. Allele origin: germline.

CeGaT Center for Human Genetics Tuebingen
Classification: Likely benign. Last evaluated: 2023-04-01. Review status: criteria provided, single submitter. Criteria: CeGaT Center For Human Genetics Tuebingen Variant Classification Criteria Version 2. Collection method: clinical testing. Allele origin: germline. Affected: yes. Observed: 1 variant allele.
Comment: ERCC3: BP4, BP7